The following is an entry in ClinVar:

NM_000264.5(PTCH1):c.2778G>A (p.Trp926Ter)

Gene: PTCH1 (patched 1; minus strand). Cytogenetic location: 9q22.32.
Variant type: single nucleotide variant.
Coding change: c.2778G>A on transcript NM_000264.5 (MANE Select); coding-DNA position 2778, G replaced by A.
Protein change: p.Trp926Ter; replaces tryptophan 926 with a stop codon.
Molecular consequence: nonsense. On other transcripts: non-coding transcript variant (1).
Genome position (GRCh38, 1-based): chr9:95,459,709, C>T on the plus strand (G>A on the coding strand, the complement: PTCH1 is on the minus strand). VCF-style: chr9-95459709-C-T. GRCh37 (hg19) VCF-style: chr9-98221991-C-T.
Other names: c.2580G>A, p.Trp860Ter (NM_001083602.3); c.2775G>A, p.Trp925Ter (NM_001083603.3); c.2325G>A, p.Trp775Ter (NM_001083604.3, NM_001083605.3, NM_001083606.3 and 1 more transcripts); c.2622G>A, p.Trp874Ter (NM_001354918.2); short protein forms W860*, W874*, W926*, W775*, W925*.
Identifiers: ClinVar variation 2735284 (VCV002735284.3), dbSNP rs2136672044, ClinGen allele CA374113100.
Genomic context (GRCh38, chr9:95,459,709, plus strand): 5'-TGGTCGGTGTGGCCGGATGTTGGCCTGGGAGGCAGCATACGCGACGGGGTCGTTGCTGAC[C>T]CAAGCCGTCAGGTAGATGTAGAAAGCGCTGGGATTAATGATGCCATCTGCATCCACCAGA-3'

ClinVar aggregate classification (germline): Pathogenic (1 of 4 stars; one submission).

Conditions:
Gorlin syndrome. Also called: Basal cell nevus syndrome; Nevoid Basal Cell Carcinoma Syndrome. Identifiers: Orphanet 377, MedGen C0004779, MONDO:0007187.

Submission:

Labcorp Genetics (formerly Invitae), Labcorp
Classification: Pathogenic for Gorlin syndrome. Last evaluated: 2025-02-23. Review status: criteria provided, single submitter. Criteria: Invitae Variant Classification Sherloc (09022015). Collection method: clinical testing. Allele origin: germline.
Comment: This sequence change creates a premature translational stop signal (p.Trp926*) in the PTCH1 gene. It is expected to result in an absent or disrupted protein product. Loss-of-function variants in PTCH1 are known to be pathogenic (PMID: 16301862, 16419085). This variant is not present in population databases (gnomAD no frequency). This premature translational stop signal has been observed in individual(s) with basal cell nevus syndrome (PMID: 9620294). ClinVar contains an entry for this variant (Variation ID: 2735284). For these reasons, this variant has been classified as Pathogenic.

Literature cited by the submitters: PubMed 16301862; PubMed 16419085; PubMed 9620294.